The following is an entry in ClinVar:

ClinVar aggregate classification (germline): Uncertain significance (1 of 4 stars; one submission).

Conditions:
Autosomal dominant hypocalcemia 1 (HYPOC1). Also called: HYPOCALCEMIA, FAMILIAL. Identifiers: MedGen C3715128, MONDO:0011013, OMIM 601198.
Familial hypocalciuric hypercalcemia (FHH). Also called: Familial benign hypercalcemia. Identifiers: Orphanet 405, MedGen C1809471, MONDO:0018458.

Submission:

Labcorp Genetics (formerly Invitae), Labcorp
Classification: Uncertain significance for Familial hypocalciuric hypercalcemia; Autosomal dominant hypocalcemia 1. Last evaluated: 2023-01-14. Review status: criteria provided, single submitter. Criteria: Invitae Variant Classification Sherloc (09022015). Collection method: clinical testing. Allele origin: germline.
Comment: This sequence change replaces aspartic acid, which is acidic and polar, with glutamic acid, which is acidic and polar, at codon 587 of the CASR protein (p.Asp587Glu). This variant is not present in population databases (gnomAD no frequency). This variant has not been reported in the literature in individuals affected with CASR-related conditions. Algorithms developed to predict the effect of missense changes on protein structure and function (SIFT, PolyPhen-2, Align-GVGD) all suggest that this variant is likely to be tolerated. In summary, the available evidence is currently insufficient to determine the role of this variant in disease. Therefore, it has been classified as a Variant of Uncertain Significance.

NM_000388.4(CASR):c.1761T>A (p.Asp587Glu)

Gene: CASR (calcium sensing receptor; plus strand). Cytogenetic location: 3q21.1.
Variant type: single nucleotide variant.
Coding change: c.1761T>A on transcript NM_000388.4 (MANE Select); coding-DNA position 1761, T replaced by A.
Protein change: p.Asp587Glu; replaces aspartic acid 587 with glutamic acid.
Molecular consequence: missense variant.
Genome position (GRCh38, 1-based): chr3:122,283,715, T>A. VCF-style: chr3-122283715-T-A. GRCh37 (hg19) VCF-style: chr3-122002562-T-A.
Other names: c.1791T>A, p.Asp597Glu (NM_001178065.2); short protein forms D587E, D597E.
Identifiers: ClinVar variation 2943205 (VCV002943205.3), dbSNP rs1220038479, ClinGen allele CA354157207.
Genomic context (GRCh38, chr3:122,283,715, plus strand): 5'-AATAACTCACTCTTCACTGGGACATTTTACAGATGCCAGTGCCTGTAACAAGTGCCCAGA[T>A]GACTTCTGGTCCAATGAGAACCACACCTCCTGCATTGCCAAGGAGATCGAGTTTCTGTCG-3'
Protein context (NP_000379.3, residues 577-597): TDASACNKCP[Asp587Glu]DFWSNENHTS